The following is an entry in ClinVar:

NM_001145809.2(MYH14):c.3749C>T (p.Ala1250Val)

Gene: MYH14 (myosin heavy chain 14; plus strand). Cytogenetic location: 19q13.33.
Variant type: single nucleotide variant.
Coding change: c.3749C>T on transcript NM_001145809.2 (MANE Select); coding-DNA position 3749, C replaced by T.
Protein change: p.Ala1250Val; replaces alanine 1250 with valine.
Molecular consequence: missense variant.
Genome position (GRCh38, 1-based): chr19:50,276,825, C>T. VCF-style: chr19-50276825-C-T. GRCh37 (hg19) VCF-style: chr19-50780082-C-T.
Other names: NC_000019.9:g.50780082C>T; c.3626C>T (NM_024729.3); c.3650C>T, p.Ala1217Val (NM_001077186.2); c.3626C>T, p.Ala1209Val (NM_024729.4); short protein forms A1209V, A1217V, A1250V.
Identifiers: ClinVar variation 3233790 (VCV003233790.4), dbSNP rs11669191, ClinGen allele CA9593306.

ClinVar aggregate classification (germline): Uncertain significance. Review status: criteria provided, multiple submitters, no conflicts (2 of 4 stars). 2 submissions from 2 submitters: Uncertain significance (2). Last evaluated 2024-05-20.

gnomAD v4.1: 17 of 1,599,226 alleles (0.0011%); highest among the groups gnomAD compares: African/African-American, 0.011%; no homozygotes.

Submissions (6):

GeneDx
Classification: Uncertain significance. Last evaluated: 2024-05-20. Review status: criteria provided, single submitter. Criteria: GeneDx Variant Classification Process June 2021. Collection method: clinical testing. Allele origin: germline. Affected: yes.
Comment: Not observed at significant frequency in large population cohorts (gnomAD); In silico analysis indicates that this missense variant does not alter protein structure/function; Has not been previously published as pathogenic or benign to our knowledge

Women's Health and Genetics/Laboratory Corporation of America, LabCorp
Classification: Uncertain significance. Last evaluated: 2024-03-25. Review status: criteria provided, single submitter. Criteria: LabCorp Variant Classification Summary - May 2015. Collection method: clinical testing. Allele origin: germline.
Comment: Variant summary: MYH14 c.3626C>T (p.Ala1209Val) results in a non-conservative amino acid change located in the Myosin Tail domain (IPR002928) of the encoded protein sequence. Four of five in-silico tools predict a benign effect of the variant on protein function. The variant allele was found at a frequency of 4e-06 in 248174 control chromosomes (gnomAD). The available data on variant occurrences in the general population are insufficient to allow any conclusion about variant significance. To our knowledge, no occurrence of c.3626C>T in individuals affected with Deafness, Autosomal Dominant 4 and no experimental evidence demonstrating its impact on protein function have been reported. No submitters have cited clinical-significance assessments for this variant to ClinVar. Based on the evidence outlined above, the variant was classified as uncertain significance.

Dr. Peter K. Rogan Lab, Western University
No classification provided (evidence only). Condition: Thyroid cancer, nonmedullary, 1. Review status: no classification provided. Collection method: in vitro. Allele origin: not applicable. Functional consequence: retained intron. Not counted in ClinVar's aggregate classification.

Dr. Peter K. Rogan Lab, Western University
No classification provided (evidence only). Condition: Thyroid cancer, nonmedullary, 1. Review status: no classification provided. Collection method: in vitro. Allele origin: not applicable. Functional consequence: retained intron. Not counted in ClinVar's aggregate classification.

Dr. Peter K. Rogan Lab, Western University
No classification provided (evidence only). Condition: Ovarian serous cystadenocarcinoma. Review status: no classification provided. Collection method: in vitro. Allele origin: not applicable. Functional consequence: retained intron. Not counted in ClinVar's aggregate classification.

Dr. Peter K. Rogan Lab, Western University
No classification provided (evidence only). Condition: Ovarian serous cystadenocarcinoma. Review status: no classification provided. Collection method: in vitro. Allele origin: not applicable. Functional consequence: retained intron. Not counted in ClinVar's aggregate classification.